The following is an entry in ClinVar:

ClinVar aggregate classification (germline): Uncertain significance. Review status: criteria provided, multiple submitters, no conflicts (2 of 4 stars). 3 submissions from 3 submitters: Uncertain significance (2). 1 of the submissions does not count toward it. Last evaluated 2025-05-16.

Conditions:
Skeletal dysplaisia with extra-skeletal manifestations.
Sponastrime dysplasia. Also called: SPONDYLAR AND NASAL ALTERATIONS WITH STRIATED METAPHYSES. Identifiers: Orphanet 93357, MedGen C1300260, MONDO:0010068, OMIM 271510.
TONSL-related disorder. Also called: TONSL-related condition.

Submissions (3):

3billion
Classification: Uncertain significance for Sponastrime dysplasia. Last evaluated: 2025-05-16. Review status: criteria provided, single submitter. Criteria: ACMG Guidelines, 2015. Collection method: clinical testing. Allele origin: germline. Affected: yes.
Comment: The variant is not observed in the gnomAD v4.1.0 dataset. Predicted Consequence/Location: Missense variant. The majority of the known disease-causing variants of this gene are variants expected to result in premature termination of the protein. The same nucleotide change resulting in the same amino acid change has been previously reported to be associated with TONSL-related disorder (ClinVar ID: VCV000638579 /PMID: 30773277). However, the evidence of pathogenicity is insufficient at this time. Therefore, this variant is classified as VUS according to the recommendation of ACMG/AMP guideline.

Undiagnosed Diseases Network, NIH
Classification: Uncertain significance for TONSL-related condition. Last evaluated: 2016-11-04. Review status: criteria provided, single submitter. Criteria: ACMG Guidelines, 2015. Collection method: clinical testing. Allele origin: paternal. Inheritance: Autosomal recessive inheritance. Affected: yes. Observed: 1 variant allele, 1 compound heterozygote. Study: Undiagnosed Diseases Network (NIH), UDN.

University of Washington Center for Mendelian Genomics, University of Washington
Classification: Likely pathogenic for Skeletal dysplaisia with extra-skeletal manifestations. Review status: no assertion criteria provided. Collection method: research. Allele origin: inherited. Affected: yes. Not counted in ClinVar's aggregate classification.

Literature cited by the submitters: PubMed 30773277 (cited by 3 submitters).

NM_013432.5(TONSL):c.1837G>T (p.Val613Leu)

Genes: TONSL (tonsoku like, DNA repair protein; minus strand), TONSL-AS1 (TONSL antisense RNA 1; plus strand). Cytogenetic location: 8q24.3.
Variant type: single nucleotide variant.
Coding change: c.1837G>T on transcript NM_013432.5 (MANE Select); coding-DNA position 1837, G replaced by T.
Protein change: p.Val613Leu; replaces valine 613 with leucine.
Molecular consequence: missense variant. On other transcripts: non-coding transcript variant (1).
Genome position (GRCh38, 1-based): chr8:144,436,810, C>A on the plus strand (G>T on the coding strand, the complement: TONSL is on the minus strand). VCF-style: chr8-144436810-C-A. GRCh37 (hg19) VCF-style: chr8-145662193-C-A.
Other names: short protein forms V613L.
Identifiers: ClinVar variation 638579 (VCV000638579.5), dbSNP rs778625348, ClinGen allele CA372661234.